The following is an entry in ClinVar:

NM_000531.6(OTC):c.662A>G (p.Lys221Arg)

Gene: OTC (ornithine transcarbamylase; plus strand). Cytogenetic location: Xp11.4.
Variant type: single nucleotide variant.
Coding change: c.662A>G on transcript NM_000531.6 (MANE Select); coding-DNA position 662, A replaced by G.
Protein change: p.Lys221Arg; replaces lysine 221 with arginine.
Molecular consequence: missense variant.
Genome position (GRCh38, 1-based): chrX:38,403,739, A>G. VCF-style: chrX-38403739-A-G. GRCh37 (hg19) VCF-style: chrX-38262992-A-G.
Other names: NC_000023.10:g.38262992A>G; c.662A>G, p.Lys221Arg (NM_001407092.1); short protein forms K221R.
Identifiers: ClinVar variation 1708820 (VCV001708820.3), dbSNP rs2519975606, ClinGen allele CA412726073.

ClinVar aggregate classification (germline): Uncertain significance (1 of 4 stars; one submission).

Submissions (2):

GeneDx
Classification: Uncertain significance. Last evaluated: 2022-03-28. Review status: criteria provided, single submitter. Criteria: GeneDx Variant Classification Process June 2021. Collection method: clinical testing. Allele origin: germline. Affected: yes.
Comment: Not observed at significant frequency in large population cohorts (gnomAD); In silico analysis supports that this missense variant does not alter protein structure/function; Has not been previously published as pathogenic or benign to our knowledge; In-silico analysis is inconclusive as to whether the variant alters gene splicing. In the absence of RNA/functional studies, the actual effect of this sequence change is unknown.

Dr. Peter K. Rogan Lab, Western University
No classification provided (evidence only). Condition: Nonpapillary renal cell carcinoma. Review status: no classification provided. Collection method: in vitro. Allele origin: not applicable. Functional consequence: retained intron. Not counted in ClinVar's aggregate classification.